The following is an entry in ClinVar:

NM_018124.4(RFWD3):c.208C>T (p.Leu70Phe)

Gene: RFWD3 (ring finger and WD repeat domain 3; minus strand). Cytogenetic location: 16q23.1.
Variant type: single nucleotide variant.
Coding change: c.208C>T on transcript NM_018124.4 (MANE Select); coding-DNA position 208, C replaced by T.
Protein change: p.Leu70Phe; replaces leucine 70 with phenylalanine.
Molecular consequence: missense variant. On other transcripts: 5 prime UTR variant (4), intron variant (1).
Genome position (GRCh38, 1-based): chr16:74,661,242, G>A on the plus strand (C>T on the coding strand, the complement: RFWD3 is on the minus strand). VCF-style: chr16-74661242-G-A. GRCh37 (hg19) VCF-style: chr16-74695140-G-A.
Other names: c.208C>T, p.Leu70Phe (NM_001370534.1, NM_001370535.1, NM_001370536.1); c.-801C>T (NM_001370537.1); c.-424C>T (NM_001370539.1, NM_001370541.1); c.-678C>T (NM_001370542.1); c.-556C>T (NM_001370543.1); c.-317+3382C>T (NM_001370540.1); short protein forms L70F.
Identifiers: ClinVar variation 2885020 (VCV002885020.3), dbSNP rs749763107, ClinGen allele CA8169623.
Genomic context (GRCh38, chr16:74,661,242, plus strand): 5'-TGTCTTCTCCCAAGACCTCCACTTCTGTCAGGTCAACAGACAGTTGCGGAGCAGGCTGGA[G>A]CAGGGGTGGTGTCGCTTGGCTGCTGATCACCTCAGCAGGAGCTGGCTGGAGGATGGATGG-3'
Protein context (NP_060594.3, residues 60-80): VISSQATPPL[Leu70Phe]QPAPQLSVDL

ClinVar aggregate classification (germline): Uncertain significance (1 of 4 stars; one submission).

gnomAD v4.1: 22 of 1,614,090 alleles (0.0014%); highest among the groups gnomAD compares: African/African-American, 0.029%; no homozygotes.

Submission:

Labcorp Genetics (formerly Invitae), Labcorp
Classification: Uncertain significance. Last evaluated: 2025-08-18. Review status: criteria provided, single submitter. Criteria: Invitae Variant Classification Sherloc (09022015). Collection method: clinical testing. Allele origin: germline.
Comment: This sequence change replaces leucine, which is neutral and non-polar, with phenylalanine, which is neutral and non-polar, at codon 70 of the RFWD3 protein (p.Leu70Phe). This variant is present in population databases (rs749763107, gnomAD 0.02%). This variant has not been reported in the literature in individuals affected with RFWD3-related conditions. ClinVar contains an entry for this variant (Variation ID: 2885020). An algorithm developed to predict the effect of missense changes on protein structure and function outputs the following: PolyPhen-2: "Benign". The phenylalanine amino acid residue is found in multiple mammalian species, which suggests that this missense change does not adversely affect protein function. In summary, the available evidence is currently insufficient to determine the role of this variant in disease. Therefore, it has been classified as a Variant of Uncertain Significance.